The following is an entry in ClinVar:

ClinVar aggregate classification (germline): Uncertain significance. Review status: criteria provided, multiple submitters, no conflicts (2 of 4 stars). 2 submissions from 2 submitters: Uncertain significance (2). Last evaluated 2025-04-04.

Conditions:
Short stature, facial dysmorphism, and skeletal anomalies with or without cardiac anomalies 2. Identifiers: MedGen C5543057, MONDO:0030953, OMIM 619184.
Inborn genetic diseases. Identifiers: MedGen C0950123, MeSH D030342.

Allele frequency attached by ClinVar (database versions not stated): ExAC 0.00006; gnomAD exomes 0.00006; ESP Exome Variant Server 0.00015; gnomAD 0.00017; TOPMed 0.00018.
gnomAD v4.1: 123 of 1,614,014 alleles (0.0076%); highest among the groups gnomAD compares: Admixed American, 0.048%; 1 homozygote.

Submissions (2):

Ambry Genetics
Classification: Uncertain significance for Inborn genetic diseases. Last evaluated: 2025-04-04. Review status: criteria provided, single submitter. Criteria: Ambry Variant Classification Scheme 2023. Collection method: clinical testing. Allele origin: germline.

Juno Genomics, Hangzhou Juno Genomics, Inc
Classification: Uncertain significance for Short stature, facial dysmorphism, and skeletal anomalies with or without cardiac anomalies 2. Review status: criteria provided, single submitter. Criteria: ACMG Guidelines, 2015. Collection method: clinical testing. Allele origin: germline.
Comment: Missense variant in a gene that has a low rate of benign missense variation.;Multiple lines of computational evidence support a deleterious effect on the gene or gene product.;Absent from controls (or at extremely low frequency if recessive) in Genome Aggregation Database.

NM_152753.4(SCUBE3):c.1595G>A (p.Arg532Gln)

Gene: SCUBE3 (signal peptide, CUB domain and EGF like domain containing 3; plus strand). Cytogenetic location: 6p21.31.
Variant type: single nucleotide variant.
Coding change: c.1595G>A on transcript NM_152753.4 (MANE Select); coding-DNA position 1595, G replaced by A.
Protein change: p.Arg532Gln; replaces arginine 532 with glutamine.
Molecular consequence: missense variant.
Genome position (GRCh38, 1-based): chr6:35,242,682, G>A. VCF-style: chr6-35242682-G-A. GRCh37 (hg19) VCF-style: chr6-35210459-G-A.
Other names: c.1592G>A, p.Arg531Gln (NM_001303136.2); short protein forms R531Q, R532Q.
Identifiers: ClinVar variation 2471748 (VCV002471748.5), dbSNP rs201494412, ClinGen allele CA3769539.